The following is an entry in ClinVar:

ClinVar aggregate classification (germline): Uncertain significance. Review status: criteria provided, multiple submitters, no conflicts (2 of 4 stars). 2 submissions from 2 submitters: Uncertain significance (2). Last evaluated 2025-07-27.

Conditions:
Charcot-Marie-Tooth disease type 4. Also called: Charcot-Marie-Tooth disease, type IV; Charcot-Marie-Tooth, Type 4. Identifiers: Orphanet 64749, MedGen C4082197, MONDO:0018995.

Allele frequency attached by ClinVar (database versions not stated): gnomAD exomes below 0.00001; ExAC 0.00001; gnomAD 0.00001; TOPMed 0.00002.
gnomAD v4.1: 4 of 1,614,044 alleles (0.00025%); highest among the groups gnomAD compares: East Asian, 0.0022%; no homozygotes.

Submissions (2):

GeneDx
Classification: Uncertain significance. Last evaluated: 2025-07-27. Review status: criteria provided, single submitter. Criteria: GeneDx Variant Classification Process June 2021. Collection method: clinical testing. Allele origin: germline. Affected: yes.
Comment: Not observed at significant frequency in large population cohorts (gnomAD); In silico analysis suggests that this missense variant does not alter protein structure/function; Has not been previously published as pathogenic or benign to our knowledge

Labcorp Genetics (formerly Invitae), Labcorp
Classification: Uncertain significance for Charcot-Marie-Tooth disease type 4. Last evaluated: 2019-11-27. Review status: criteria provided, single submitter. Criteria: Invitae Variant Classification Sherloc (09022015). Collection method: clinical testing. Allele origin: germline.
Comment: This sequence change replaces alanine with valine at codon 773 of the SBF2 protein (p.Ala773Val). The alanine residue is moderately conserved and there is a small physicochemical difference between alanine and valine. This variant is present in population databases (rs750527598, ExAC 0.01%). This variant has not been reported in the literature in individuals with SBF2-related conditions. Algorithms developed to predict the effect of missense changes on protein structure and function (SIFT, PolyPhen-2, Align-GVGD) all suggest that this variant is likely to be tolerated, but these predictions have not been confirmed by published functional studies and their clinical significance is uncertain. In summary, the available evidence is currently insufficient to determine the role of this variant in disease. Therefore, it has been classified as a Variant of Uncertain Significance.

NM_030962.4(SBF2):c.2318C>T (p.Ala773Val)

Genes: SBF2 (SET binding factor 2; minus strand), LOC101928008 (uncharacterized LOC101928008; plus strand). Cytogenetic location: 11p15.4.
Variant type: single nucleotide variant.
Coding change: c.2318C>T on transcript NM_030962.4 (MANE Select); coding-DNA position 2318, C replaced by T.
Protein change: p.Ala773Val; replaces alanine 773 with valine.
Molecular consequence: missense variant.
Genome position (GRCh38, 1-based): chr11:9,856,503, G>A on the plus strand (C>T on the coding strand, the complement: SBF2 is on the minus strand). VCF-style: chr11-9856503-G-A. GRCh37 (hg19) VCF-style: chr11-9878050-G-A.
Other names: c.2318C>T, p.Ala773Val (NM_001386339.1); c.2189C>T, p.Ala730Val (NM_001386342.1); short protein forms A773V, A730V.
Identifiers: ClinVar variation 863096 (VCV000863096.11), dbSNP rs750527598, ClinGen allele CA5881592.